The following is an entry in ClinVar:

ClinVar aggregate classification (germline): Benign/Likely benign. Review status: criteria provided, multiple submitters, no conflicts (2 of 4 stars). 18 submissions from 12 submitters: Benign (14); Likely benign (2). 2 of the submissions do not count toward it. Last evaluated 2026-02-03.

Conditions:
Atypical hemolytic-uremic syndrome. Identifiers: Orphanet 2134, MedGen C2931788, MONDO:0016244.
Age related macular degeneration 4. Identifiers: MedGen C1853147, MONDO:0012540, OMIM 610698.
Basal laminar drusen. Also called: DRUSEN OF BRUCH MEMBRANE; DRUSEN, CUTICULAR; DRUSEN, EARLY ADULT-ONSET, GROUPED. Identifiers: Orphanet 75376, MedGen C0730295, MONDO:0007472, OMIM 126700.
Factor H deficiency (CFHD). Also called: COMPLEMENT FACTOR H DEFICIENCY; CFH DEFICIENCY. Identifiers: Orphanet 200421, MedGen C0398777, MONDO:0012350, OMIM 609814.
Hemolytic uremic syndrome, atypical, susceptibility to, 1. Also called: AHUS, SUSCEPTIBILITY TO, 1. Identifiers: Orphanet 2134, Orphanet 90038, MedGen C2749604, MONDO:0009335, OMIM 235400. Disease mechanism: Other.
CFH-Related Dense Deposit Disease / Membranoproliferative Glomerulonephritis Type II. Identifiers: MedGen CN071292.

Allele frequency attached by ClinVar (database versions not stated): gnomAD exomes 0.02223; ExAC 0.02643; gnomAD 0.07904 and 0.08522; 1000 Genomes Project 0.08706; ESP Exome Variant Server 0.08819; 1000 Genomes Project 30x 0.08869; TOPMed 0.08998.
gnomAD v4.1: 25,084 of 1,614,074 alleles (1.6%); highest among the groups gnomAD compares: African/African-American, 27%; 2,839 homozygotes.

Submissions (18):

Labcorp Genetics (formerly Invitae), Labcorp
Classification: Benign. Last evaluated: 2026-02-03. Review status: criteria provided, single submitter. Criteria: Invitae Variant Classification Sherloc (09022015). Collection method: clinical testing. Allele origin: germline.

Women's Health and Genetics/Laboratory Corporation of America, LabCorp
Classification: Likely benign. Last evaluated: 2026-01-21. Review status: criteria provided, single submitter. Criteria: LabCorp Variant Classification Summary - May 2015. Collection method: clinical testing. Allele origin: germline.

Genomenon, Inc
Classification: Benign for Basal laminar drusen; Age related macular degeneration 4; Atypical hemolytic-uremic syndrome; Factor H deficiency. Last evaluated: 2025-10-02. Review status: criteria provided, single submitter. Criteria: Genomenon Sequence Variant Interpretation Standards - Updated. Collection method: curation. Allele origin: germline. Affected: no.
Comment: CFH p.Val1007Leu (c.3019G>T) is a missense variant that changes the amino acid at residue 1007 from Valine to Leucine. This variant is present at high allele frequency in population databases. In conclusion, we classify CFH p.Val1007Leu (c.3019G>T) as a benign variant.

Blueprint Genetics
Classification: Likely benign. Last evaluated: 2024-11-26. Review status: criteria provided, single submitter. Criteria: ACMG Guidelines, 2015. Collection method: clinical testing. Allele origin: germline.

Genome-Nilou Lab
Classification: Benign for Hemolytic uremic syndrome, atypical, susceptibility to, 1. Last evaluated: 2023-04-11. Review status: criteria provided, single submitter. Criteria: ACMG Guidelines, 2015. Collection method: clinical testing. Allele origin: germline. Affected: no.

Genome-Nilou Lab
Classification: Benign for Age related macular degeneration 4. Last evaluated: 2023-04-11. Review status: criteria provided, single submitter. Criteria: ACMG Guidelines, 2015. Collection method: clinical testing. Allele origin: germline. Affected: no.

Genome-Nilou Lab
Classification: Benign for Basal laminar drusen. Last evaluated: 2023-04-11. Review status: criteria provided, single submitter. Criteria: ACMG Guidelines, 2015. Collection method: clinical testing. Allele origin: germline. Affected: no.

Genome-Nilou Lab
Classification: Benign for Factor H deficiency. Last evaluated: 2023-04-11. Review status: criteria provided, single submitter. Criteria: ACMG Guidelines, 2015. Collection method: clinical testing. Allele origin: germline. Affected: no.

Mayo Clinic Laboratories, Mayo Clinic
Classification: Benign. Last evaluated: 2022-09-29. Review status: criteria provided, single submitter. Criteria: ACMG Guidelines, 2015. Collection method: clinical testing. Allele origin: germline. Observed: 391 variant alleles.
Comment: BA1

Genome Diagnostics Laboratory, The Hospital for Sick Children
Classification: Benign for Atypical hemolytic-uremic syndrome. Last evaluated: 2022-07-08. Review status: criteria provided, single submitter. Criteria: ACMG Guidelines, 2015. Collection method: clinical testing. Allele origin: germline.

GeneDx
Classification: Benign. Last evaluated: 2021-05-05. Review status: criteria provided, single submitter. Criteria: GeneDx Variant Classification Process June 2021. Collection method: clinical testing. Allele origin: germline. Affected: yes.
Comment: This variant is associated with the following publications: (PMID: 29888403, 30046676, 30377230, 29686068, 27884173, 20981092, 21881555)

Illumina Laboratory Services, Illumina
Classification: Benign for Hemolytic uremic syndrome, atypical, susceptibility to, 1. Last evaluated: 2018-03-06. Review status: criteria provided, single submitter. Criteria: ICSL Variant Classification Criteria 13 December 2019. Collection method: clinical testing. Allele origin: germline.
Comment: This variant was observed in the ICSL laboratory as part of a predisposition screen in an ostensibly healthy population. It had not been previously curated by ICSL or reported in the Human Gene Mutation Database (HGMD: prior to June 1st, 2018), and was therefore a candidate for classification through an automated scoring system. Utilizing variant allele frequency, disease prevalence and penetrance estimates, and inheritance mode, an automated score was calculated to assess if this variant is too frequent to cause the disease. Based on the score and internal cut-off values, a variant classified as benign is not then subjected to further curation. The score for this variant resulted in a classification of benign for this disease.

Illumina Laboratory Services, Illumina
Classification: Benign for Membranoproliferative glomerulonephritis with complement factor h deficiency. Last evaluated: 2018-03-06. Review status: criteria provided, single submitter. Criteria: ICSL Variant Classification Criteria 13 December 2019. Collection method: clinical testing. Allele origin: germline.
Comment: the same text as in the submission from Illumina Laboratory Services, Illumina above.

Illumina Laboratory Services, Illumina
Classification: Benign for Basal laminar drusen. Last evaluated: 2018-03-06. Review status: criteria provided, single submitter. Criteria: ICSL Variant Classification Criteria 13 December 2019. Collection method: clinical testing. Allele origin: germline.
Comment: the same text as in the submission from Illumina Laboratory Services, Illumina above.

Illumina Laboratory Services, Illumina
Classification: Benign for Age related macular degeneration 4. Last evaluated: 2018-03-06. Review status: criteria provided, single submitter. Criteria: ICSL Variant Classification Criteria 13 December 2019. Collection method: clinical testing. Allele origin: germline.
Comment: the same text as in the submission from Illumina Laboratory Services, Illumina above.

Breakthrough Genomics
Classification: Benign. Review status: criteria provided, single submitter. Criteria: ACMG Guidelines, 2015. Collection method: not provided. Allele origin: germline. Inheritance: Autosomal recessive inheritance. Affected: yes.

Genome Diagnostics Laboratory, University Medical Center Utrecht
Classification: Likely benign. Review status: no assertion criteria provided. Collection method: clinical testing. Allele origin: germline. Affected: yes. Study: VKGL Data-share Consensus. Not counted in ClinVar's aggregate classification.

Joint Genome Diagnostic Labs from Nijmegen and Maastricht, Radboudumc and MUMC+
Classification: Likely benign. Review status: no assertion criteria provided. Collection method: clinical testing. Allele origin: germline. Affected: yes. Study: VKGL Data-share Consensus. Not counted in ClinVar's aggregate classification.

NM_000186.4(CFH):c.3019G>T (p.Val1007Leu)

Gene: CFH (complement factor H; plus strand). Cytogenetic location: 1q31.3.
Variant type: single nucleotide variant.
Coding change: c.3019G>T on transcript NM_000186.4 (MANE Select); coding-DNA position 3019, G replaced by T.
Protein change: p.Val1007Leu; replaces valine 1007 with leucine.
Molecular consequence: missense variant.
Genome position (GRCh38, 1-based): chr1:196,741,937, G>T. VCF-style: chr1-196741937-G-T. GRCh37 (hg19) VCF-style: chr1-196711067-G-T.
Other names: p.Val1007Leu; short protein forms V1007L.
Identifiers: ClinVar variation 294514 (VCV000294514.25), dbSNP rs534399, ClinGen allele CA1305808.